The following is an entry in ClinVar:

NM_015272.5(RPGRIP1L):c.94dup (p.Thr32fs)

Gene: RPGRIP1L (RPGRIP1 like; minus strand). Cytogenetic location: 16q12.2.
Variant type: Duplication.
Coding change: c.94dup on transcript NM_015272.5 (MANE Select); coding-DNA position 94, one base duplicated (A; older notation c.94dupA).
Protein change: p.Thr32fs; shifts the reading frame from threonine 32.
Molecular consequence: frameshift variant.
Genome position (GRCh38, 1-based): chr16:53,696,287, T duplicated on the plus strand (A on the coding strand, the reverse complement: RPGRIP1L is on the minus strand); the first of 2 consecutive T bases (chr16:53,696,287-53,696,288); duplicating either gives the same sequence. VCF-style (leftmost placement, unchanged base first): chr16-53696286-G-GT. GRCh37 (hg19) VCF-style: chr16-53730198-G-GT.
Other names: c.94dup, p.Thr32fs (NM_001127897.4, NM_001308334.3, NM_001328422.2 and 2 more transcripts); short protein forms T32fs.
Identifiers: ClinVar variation 2581806 (VCV002581806.1), dbSNP rs1288225757, ClinGen allele CA622269119.

ClinVar aggregate classification (germline): Likely pathogenic (1 of 4 stars; one submission).

Submission:

GeneDx
Classification: Likely pathogenic. Last evaluated: 2023-03-27. Review status: criteria provided, single submitter. Criteria: GeneDx Variant Classification Process June 2021. Collection method: clinical testing. Allele origin: germline. Affected: yes.
Comment: Identified in a large study assessing the carrier frequency of autosomal recessive inherited retinal diseases (Hanany et al., 2020); Frameshift variant predicted to result in protein truncation or nonsense mediated decay in a gene for which loss of function is a known mechanism of disease; Not observed at significant frequency in large population cohorts (gnomAD); This variant is associated with the following publications: (PMID: 31964843)